The following is an entry in ClinVar:

NM_003907.3(EIF2B5):c.1283G>A (p.Arg428His)

Gene: EIF2B5 (eukaryotic translation initiation factor 2B subunit epsilon; plus strand). Cytogenetic location: 3q27.1.
Variant type: single nucleotide variant.
Coding change: c.1283G>A on transcript NM_003907.3 (MANE Select); coding-DNA position 1283, G replaced by A.
Protein change: p.Arg428His; replaces arginine 428 with histidine.
Molecular consequence: missense variant.
Genome position (GRCh38, 1-based): chr3:184,142,051, G>A. VCF-style: chr3-184142051-G-A. GRCh37 (hg19) VCF-style: chr3-183859839-G-A.
Other names: c.1283G>A (NM_003907.2); short protein forms R428H.
Identifiers: ClinVar variation 2137942 (VCV002137942.2), dbSNP rs1401639769, ClinGen allele CA355387356.

ClinVar aggregate classification (germline): Conflicting classifications of pathogenicity. Review status: criteria provided, conflicting classifications (1 of 4 stars). 2 submissions from 2 submitters: Uncertain significance (1); Likely benign (1). Last evaluated 2025-07-02.

Conditions:
Inborn genetic diseases. Identifiers: MedGen C0950123, MeSH D030342.

Allele frequency attached by ClinVar (database versions not stated): TOPMed below 0.00001.
gnomAD v4.1: 4 of 1,614,152 alleles (0.00025%); highest among the groups gnomAD compares: South Asian, 0.0011%; no homozygotes.

Submissions (2):

Ambry Genetics
Classification: Likely benign for Inborn genetic diseases. Last evaluated: 2025-07-02. Review status: criteria provided, single submitter. Criteria: Ambry Variant Classification Scheme 2023. Collection method: clinical testing. Allele origin: germline.

Labcorp Genetics (formerly Invitae), Labcorp
Classification: Uncertain significance. Last evaluated: 2022-08-01. Review status: criteria provided, single submitter. Criteria: Invitae Variant Classification Sherloc (09022015). Collection method: clinical testing. Allele origin: germline.
Comment: This sequence change replaces arginine, which is basic and polar, with histidine, which is basic and polar, at codon 428 of the EIF2B5 protein (p.Arg428His). This variant is present in population databases (no rsID available, gnomAD 0.003%). This variant has not been reported in the literature in individuals affected with EIF2B5-related conditions. Advanced modeling of protein sequence and biophysical properties (such as structural, functional, and spatial information, amino acid conservation, physicochemical variation, residue mobility, and thermodynamic stability) performed at Invitae indicates that this missense variant is not expected to disrupt EIF2B5 protein function. In summary, the available evidence is currently insufficient to determine the role of this variant in disease. Therefore, it has been classified as a Variant of Uncertain Significance.